The following is an entry in ClinVar:

NM_006031.6(PCNT):c.7281C>T (p.Asp2427=)

Gene: PCNT (pericentrin; plus strand). Cytogenetic location: 21q22.3.
Variant type: single nucleotide variant.
Coding change: c.7281C>T on transcript NM_006031.6 (MANE Select); coding-DNA position 7281, C replaced by T.
Protein change: p.Asp2427=; no amino-acid change (aspartic acid 2427 retained).
Molecular consequence: synonymous variant.
Genome position (GRCh38, 1-based): chr21:46,425,932, C>T. VCF-style: chr21-46425932-C-T. GRCh37 (hg19) VCF-style: chr21-47845846-C-T.
Other names: c.6927C>T, p.Asp2309= (NM_001315529.2).
Identifiers: ClinVar variation 436215 (VCV000436215.26), dbSNP rs138588682, ClinGen allele CA10080594.

ClinVar aggregate classification (germline): Benign/Likely benign. Review status: criteria provided, multiple submitters, no conflicts (2 of 4 stars). 6 submissions from 6 submitters: Benign (1); Likely benign (4). 1 of the submissions does not count toward it. Last evaluated 2026-06-01.

Conditions:
PCNT-related disorder. Also called: PCNT-related condition.

Allele frequency attached by ClinVar (database versions not stated): ESP Exome Variant Server 0.00008; ExAC 0.00012; gnomAD exomes 0.00018 and 0.00059; 1000 Genomes Project 0.00140; 1000 Genomes Project 30x 0.00141; gnomAD 0.00182 and 0.00186; TOPMed 0.00183.
gnomAD v4.1: 531 of 1,614,058 alleles (0.033%); highest among the groups gnomAD compares: Admixed American, 0.78%; 8 homozygotes.

Submissions (6):

CeGaT Center for Human Genetics Tuebingen
Classification: Likely benign. Last evaluated: 2026-06-01. Review status: criteria provided, single submitter. Criteria: CeGaT Center For Human Genetics Tuebingen Variant Classification Criteria Version 2. Collection method: clinical testing. Allele origin: germline. Affected: yes. Observed: 6 variant alleles.
Comment: PCNT: BP4, BP7

Labcorp Genetics (formerly Invitae), Labcorp
Classification: Benign. Last evaluated: 2026-01-07. Review status: criteria provided, single submitter. Criteria: Invitae Variant Classification Sherloc (09022015). Collection method: clinical testing. Allele origin: germline.

Blueprint Genetics
Classification: Likely benign. Last evaluated: 2024-05-31. Review status: criteria provided, single submitter. Criteria: ACMG Guidelines, 2015. Collection method: clinical testing. Allele origin: germline.

GeneDx
Classification: Likely benign. Last evaluated: 2020-07-30. Review status: criteria provided, single submitter. Criteria: GeneDx Variant Classification Process June 2021. Collection method: clinical testing. Allele origin: germline. Affected: yes.

Genetic Services Laboratory, University of Chicago
Classification: Likely benign. Last evaluated: 2016-08-12. Review status: criteria provided, single submitter. Criteria: ACMG Guidelines, 2015. Collection method: clinical testing. Allele origin: germline. Affected: no.

PreventionGenetics, part of Exact Sciences
Classification: Likely benign for PCNT-related condition. Last evaluated: 2021-04-30. Review status: no assertion criteria provided. Collection method: clinical testing. Allele origin: germline. Not counted in ClinVar's aggregate classification.
Comment: This variant is classified as likely benign based on ACMG/AMP sequence variant interpretation guidelines (Richards et al. 2015 PMID: 25741868, with internal and published modifications).